The following is an entry in ClinVar:

ClinVar aggregate classification (germline): Uncertain significance (1 of 4 stars; one submission).

Conditions:
Cortical dysplasia-focal epilepsy syndrome (PTHSL1). Also called: Pitt-Hopkins-like syndrome 1. Identifiers: Orphanet 163681, Orphanet 221150, MedGen C2750246, MONDO:0012400, OMIM 610042.

Submission:

Labcorp Genetics (formerly Invitae), Labcorp
Classification: Uncertain significance for Cortical dysplasia-focal epilepsy syndrome. Last evaluated: 2022-05-20. Review status: criteria provided, single submitter. Criteria: Invitae Variant Classification Sherloc (09022015). Collection method: clinical testing. Allele origin: germline.
Comment: In summary, the available evidence is currently insufficient to determine the role of this variant in disease. Therefore, it has been classified as a Variant of Uncertain Significance. Algorithms developed to predict the effect of missense changes on protein structure and function output the following: SIFT: "Tolerated"; PolyPhen-2: "Benign"; Align-GVGD: "Class C0". The asparagine amino acid residue is found in multiple mammalian species, which suggests that this missense change does not adversely affect protein function. This missense change has been observed in individual(s) with clinical features of CNTNAP2-related conditions (PMID: 29261713). This variant is not present in population databases (gnomAD no frequency). This sequence change replaces serine, which is neutral and polar, with asparagine, which is neutral and polar, at codon 339 of the CNTNAP2 protein (p.Ser339Asn).

Literature cited by the submitters: PubMed 29261713.

NM_014141.6(CNTNAP2):c.1016G>A (p.Ser339Asn)

Gene: CNTNAP2 (contactin associated protein 2; plus strand). Cytogenetic location: 7q35.
Variant type: single nucleotide variant.
Coding change: c.1016G>A on transcript NM_014141.6 (MANE Select); coding-DNA position 1016, G replaced by A.
Protein change: p.Ser339Asn; replaces serine 339 with asparagine.
Molecular consequence: missense variant.
Genome position (GRCh38, 1-based): chr7:147,128,769, G>A. VCF-style: chr7-147128769-G-A. GRCh37 (hg19) VCF-style: chr7-146825861-G-A.
Other names: short protein forms S339N.
Identifiers: ClinVar variation 2136621 (VCV002136621.4), dbSNP rs757610472, ClinGen allele CA369924292.